The following is an entry in ClinVar:

ClinVar aggregate classification (germline): Uncertain significance (1 of 4 stars; one submission).

gnomAD v4.1: 4 of 1,614,036 alleles (0.00025%); highest among the groups gnomAD compares: Admixed American, 0.0017%; no homozygotes.

Submission:

Labcorp Genetics (formerly Invitae), Labcorp
Classification: Uncertain significance. Last evaluated: 2025-06-08. Review status: criteria provided, single submitter. Criteria: Invitae Variant Classification Sherloc (09022015). Collection method: clinical testing. Allele origin: germline.
Comment: This sequence change replaces proline, which is neutral and non-polar, with leucine, which is neutral and non-polar, at codon 780 of the RNF216 protein (p.Pro780Leu). This variant is present in population databases (rs775341572, gnomAD 0.006%). This variant has not been reported in the literature in individuals affected with RNF216-related conditions. An algorithm developed to predict the effect of missense changes on protein structure and function (PolyPhen-2) suggests that this variant is likely to be disruptive. In summary, the available evidence is currently insufficient to determine the role of this variant in disease. Therefore, it has been classified as a Variant of Uncertain Significance.

NM_207111.4(RNF216):c.2339C>T (p.Pro780Leu)

Gene: RNF216 (ring finger protein 216; minus strand). Cytogenetic location: 7p22.1.
Variant type: single nucleotide variant.
Coding change: c.2339C>T on transcript NM_207111.4 (MANE Select); coding-DNA position 2339, C replaced by T.
Protein change: p.Pro780Leu; replaces proline 780 with leucine.
Molecular consequence: missense variant.
Genome position (GRCh38, 1-based): chr7:5,641,197, G>A on the plus strand (C>T on the coding strand, the complement: RNF216 is on the minus strand). VCF-style: chr7-5641197-G-A. GRCh37 (hg19) VCF-style: chr7-5680828-G-A.
Other names: c.2168C>T, p.Pro723Leu (NM_001377156.1, NM_207116.3); short protein forms P780L, P723L.
Identifiers: ClinVar variation 4691906 (VCV004691906.1).